The following is an entry in ClinVar:

NM_001040108.2(MLH3):c.2647T>C (p.Ser883Pro)

Gene: MLH3 (mutL homolog 3; minus strand). Cytogenetic location: 14q24.3.
Variant type: single nucleotide variant.
Coding change: c.2647T>C on transcript NM_001040108.2 (MANE Select); coding-DNA position 2647, T replaced by C.
Protein change: p.Ser883Pro; replaces serine 883 with proline.
Molecular consequence: missense variant.
Genome position (GRCh38, 1-based): chr14:75,047,009, A>G on the plus strand (T>C on the coding strand, the complement: MLH3 is on the minus strand). VCF-style: chr14-75047009-A-G. GRCh37 (hg19) VCF-style: chr14-75513712-A-G.
Other names: c.2647T>C, p.Ser883Pro (NM_014381.3); short protein forms S883P.
Identifiers: ClinVar variation 1794268 (VCV001794268.3), dbSNP rs2139558781, ClinGen allele CA390439248.

ClinVar aggregate classification (germline): Uncertain significance (1 of 4 stars; one submission).

Submission:

Ambry Genetics
Classification: Uncertain significance. Last evaluated: 2025-05-04. Review status: criteria provided, single submitter. Criteria: Ambry Variant Classification Scheme 2023. Collection method: clinical testing. Allele origin: germline.
Comment: The p.S883P variant (also known as c.2647T>C), located in coding exon 1 of the MLH3 gene, results from a T to C substitution at nucleotide position 2647. The serine at codon 883 is replaced by proline, an amino acid with similar properties. This amino acid position is conserved. In addition, this alteration is predicted to be tolerated by in silico analysis. Since supporting evidence is limited at this time, the clinical significance of this alteration remains unclear.